The following is an entry in ClinVar:

ClinVar aggregate classification (germline): Pathogenic/Likely pathogenic. Review status: criteria provided, multiple submitters, no conflicts (2 of 4 stars). 2 submissions from 2 submitters: Pathogenic (1); Likely pathogenic (1). Last evaluated 2024-01-31.

Conditions:
Severe combined immunodeficiency, autosomal recessive, T cell-negative, B cell-negative, NK cell-positive. Also called: SCID, AR, T-cell negative, B-cell negative, NK cell-positive; SCID, T CELL-NEGATIVE, B CELL-NEGATIVE, NK CELL-POSITIVE; Severe combined immunodeficiency due to complete RAG1/2 deficiency. Identifiers: Orphanet 331206, MedGen C1832322, MONDO:0011086, OMIM 601457.
Combined immunodeficiency with skin granulomas. Identifiers: Orphanet 157949, MedGen C2673536, MONDO:0009306, OMIM 233650.
Combined immunodeficiency due to partial RAG1 deficiency. Identifiers: Orphanet 231154, MedGen C1835931, MONDO:0012359, OMIM 609889.

Submissions (2):

Labcorp Genetics (formerly Invitae), Labcorp
Classification: Pathogenic for Combined immunodeficiency with skin granulomas; Severe combined immunodeficiency, autosomal recessive, T cell-negative, B cell-negative, NK cell-positive. Last evaluated: 2024-01-31. Review status: criteria provided, single submitter. Criteria: Invitae Variant Classification Sherloc (09022015). Collection method: clinical testing. Allele origin: germline.
Comment: This sequence change creates a premature translational stop signal (p.Ala69Valfs*13) in the RAG1 gene. While this is not anticipated to result in nonsense mediated decay, it is expected to disrupt the last 975 amino acid(s) of the RAG1 protein. This variant is not present in population databases (gnomAD no frequency). This variant has not been reported in the literature in individuals affected with RAG1-related conditions. This variant disrupts a region of the RAG1 protein in which other variant(s) (p.Lys992Glu) have been determined to be pathogenic (PMID: 11313270, 18442948, 24290284). This suggests that this is a clinically significant region of the protein, and that variants that disrupt it are likely to be disease-causing. For these reasons, this variant has been classified as Pathogenic.

Baylor Genetics
Classification: Likely pathogenic for Combined immunodeficiency due to partial RAG1 deficiency. Last evaluated: 2024-01-23. Review status: criteria provided, single submitter. Criteria: ACMG Guidelines, 2015. Collection method: clinical testing. Allele origin: unknown.

Literature cited by the submitters: PubMed 11313270 (cited by Labcorp Genetics (formerly Invitae), Labcorp); PubMed 18442948 (cited by Labcorp Genetics (formerly Invitae), Labcorp); PubMed 24290284 (cited by Labcorp Genetics (formerly Invitae), Labcorp).

NM_000448.3(RAG1):c.206del (p.Ala69fs)

Gene: RAG1 (recombination activating 1; plus strand). Cytogenetic location: 11p12.
Variant type: Deletion.
Coding change: c.206del on transcript NM_000448.3 (MANE Select); coding-DNA position 206, one base deleted (C; older notation c.206delC).
Protein change: p.Ala69fs; shifts the reading frame from alanine 69.
Molecular consequence: frameshift variant.
Genome position (GRCh38, 1-based): chr11:36,573,510, C deleted. VCF-style (leftmost placement, unchanged base first): chr11-36573509-GC-G. GRCh37 (hg19) VCF-style: chr11-36595059-GC-G.
Other names: c.206del, p.Ala69fs (NM_001377277.1, NM_001377278.1, NM_001377279.1 and 1 more transcripts); short protein forms A69fs.
Identifiers: ClinVar variation 2921388 (VCV002921388.4), dbSNP rs2494750488, ClinGen allele CA2740093698.
Genomic context (GRCh38, chr11:36,573,509, plus strand): 5'-AAGAAGGATTCCTTTGAGGGGAAACCCTCTCTGGAGCAATCTCCAGCAGTCCTGGACAAG[GC>G]TGATGGTCAGAAGCCAGTCCCAACTCAGCCATTGTTAAAAGCCCACCCTAAGTTTTCAAA-3'